The following is an entry in ClinVar:

NM_000138.5(FBN1):c.2567C>G (p.Thr856Ser)

Gene: FBN1 (fibrillin 1; minus strand). Cytogenetic location: 15q21.1.
Variant type: single nucleotide variant.
Coding change: c.2567C>G on transcript NM_000138.5 (MANE Select); coding-DNA position 2567, C replaced by G.
Protein change: p.Thr856Ser; replaces threonine 856 with serine.
Molecular consequence: missense variant.
Genome position (GRCh38, 1-based): chr15:48,495,233, G>C on the plus strand (C>G on the coding strand, the complement: FBN1 is on the minus strand). VCF-style: chr15-48495233-G-C. GRCh37 (hg19) VCF-style: chr15-48787430-G-C.
Other names: c.2567C>G, p.Thr856Ser (NM_001406716.1); short protein forms T856S.
Identifiers: ClinVar variation 3072715 (VCV003072715.1), dbSNP rs2505571159, ClinGen allele CA392332804.

ClinVar aggregate classification (germline): Uncertain significance (1 of 4 stars; one submission).

Conditions:
Marfan syndrome (MFS). Also called: MARFAN SYNDROME, TYPE I; Marfan syndrome type 1; Marfan's syndrome; Marfan syndrome, classic; FBN1-Related Marfan Syndrome. Identifiers: Orphanet 284963, Orphanet 558, MedGen C0024796, MONDO:0007947, OMIM 154700.

Submission:

All of Us Research Program, National Institutes of Health
Classification: Uncertain significance for Marfan syndrome. Last evaluated: 2023-08-15. Review status: criteria provided, single submitter. Criteria: ACMG Guidelines, 2015. Collection method: clinical testing. Allele origin: germline. Inheritance: Autosomal dominant inheritance. Observed: 1 variant allele, 1 heterozygote.
Comment: This missense variant replaces threonine with serine at codon 856 of the FBN1 protein. Computational prediction suggests that this variant may not impact protein structure and function (internally defined REVEL score threshold <= 0.5, PMID: 27666373). To our knowledge, functional studies have not been reported for this variant. This variant has not been reported in individuals affected with FBN1-related disorders in the literature. This variant has not been identified in the general population by the Genome Aggregation Database (gnomAD). The available evidence is insufficient to determine the role of this variant in disease conclusively. Therefore, this variant is classified as a Variant of Uncertain Significance.

This study involves interpretation of variants in research participants for the purpose of population health screening. Participant phenotype was not available at the time of variant classification. Additional details can be found in publication PMID: 35346344, PMCID: PMC8962531